The following is an entry in ClinVar:

NM_014159.7(SETD2):c.3103C>T (p.His1035Tyr)

Gene: SETD2 (SET domain containing 2, histone lysine methyltransferase; minus strand). Cytogenetic location: 3p21.31.
Variant type: single nucleotide variant.
Coding change: c.3103C>T on transcript NM_014159.7 (MANE Select); coding-DNA position 3103, C replaced by T.
Protein change: p.His1035Tyr; replaces histidine 1035 with tyrosine.
Molecular consequence: missense variant. On other transcripts: non-coding transcript variant (1).
Genome position (GRCh38, 1-based): chr3:47,121,533, G>A on the plus strand (C>T on the coding strand, the complement: SETD2 is on the minus strand). VCF-style: chr3-47121533-G-A. GRCh37 (hg19) VCF-style: chr3-47163023-G-A.
Other names: c.2971C>T, p.His991Tyr (NM_001349370.3); short protein forms H1035Y, H991Y.
Identifiers: ClinVar variation 4997135 (VCV004997135.1).

ClinVar aggregate classification (germline): Uncertain significance (1 of 4 stars; one submission).

Conditions:
SETD2-related disorder.

Submission:

PreventionGenetics, part of Exact Sciences
Classification: Uncertain significance for SETD2-related condition. Last evaluated: 2024-10-21. Review status: criteria provided, single submitter. Criteria: ACMG Guidelines, 2015. Collection method: clinical testing. Allele origin: germline.
Comment: The SETD2 c.3103C>T variant is predicted to result in the amino acid substitution p.His1035Tyr. To our knowledge, this variant has not been reported in the literature or in a large population database (gnomAD), indicating this variant is rare. At this time, the clinical significance of this variant is uncertain due to the absence of conclusive functional and genetic evidence.